The following is an entry in ClinVar:

ClinVar aggregate classification (germline): Uncertain significance. Review status: criteria provided, multiple submitters, no conflicts (2 of 4 stars). 2 submissions from 2 submitters: Uncertain significance (2). Last evaluated 2025-08-20.

Conditions:
Cardiovascular phenotype. Identifiers: MedGen CN230736.

Allele frequency attached by ClinVar (database versions not stated): ExAC 0.00005; gnomAD 0.00005; ESP Exome Variant Server 0.00008; TOPMed 0.00012.
gnomAD v4.1: 24 of 1,613,340 alleles (0.0015%); highest among the groups gnomAD compares: African/African-American, 0.013%; no homozygotes.

Submissions (2):

Ambry Genetics
Classification: Uncertain significance for Cardiovascular phenotype. Last evaluated: 2025-08-20. Review status: criteria provided, single submitter. Criteria: Ambry Variant Classification Scheme 2023. Collection method: clinical testing. Allele origin: germline.

GeneDx
Classification: Uncertain significance. Last evaluated: 2024-08-20. Review status: criteria provided, single submitter. Criteria: GeneDx Variant Classification Process June 2021. Collection method: clinical testing. Allele origin: germline. Affected: yes.
Comment: Not observed at significant frequency in large population cohorts (gnomAD); In silico analysis indicates that this missense variant does not alter protein structure/function; Has not been previously published as pathogenic or benign to our knowledge

NM_001010874.5(TECRL):c.25G>A (p.Ala9Thr)

Gene: TECRL (trans-2,3-enoyl-CoA reductase like; minus strand). Cytogenetic location: 4q13.1.
Variant type: single nucleotide variant.
Coding change: c.25G>A on transcript NM_001010874.5 (MANE Select); coding-DNA position 25, G replaced by A.
Protein change: p.Ala9Thr; replaces alanine 9 with threonine.
Molecular consequence: missense variant.
Genome position (GRCh38, 1-based): chr4:64,409,327, C>T on the plus strand (G>A on the coding strand, the complement: TECRL is on the minus strand). VCF-style: chr4-64409327-C-T. GRCh37 (hg19) VCF-style: chr4-65275045-C-T.
Other names: c.25G>A, p.Ala9Thr (NM_001363796.1); short protein forms A9T.
Identifiers: ClinVar variation 1793652 (VCV001793652.4), dbSNP rs373269339, ClinGen allele CA2935715.
Genomic context (GRCh38, chr4:64,409,327, plus strand): 5'-CATCCTTCAGTATGAACCGTGTAGCTCTTTGGGAAAGTAATGCTCTCTTGCGTTCCGAAG[C>T]GAGGGACTTGTGCCTTTTGAACATTGTGTGAACTAAGAGGAGGGTCTGTCATGTCAAAAG-3'
Protein context (NP_001010874.2, residues 1-19): MFKRHKSL[Ala9Thr]SERKRALLSQ